The following is an entry in ClinVar:

ClinVar aggregate classification (germline): Uncertain significance. Review status: criteria provided, multiple submitters, no conflicts (2 of 4 stars). 4 submissions from 4 submitters: Uncertain significance (3). 1 of the submissions does not count toward it. Last evaluated 2025-10-29.

Conditions:
Inborn genetic diseases. Identifiers: MedGen C0950123, MeSH D030342.
Neuromuscular disease caused by qualitative or quantitative defects of dysferlin. Also called: Dysferlinopathy; Qualitative or quantitative defects of dysferlin. Identifiers: Orphanet 207073, MedGen C2931687, MONDO:0016145.
Autosomal recessive limb-girdle muscular dystrophy type 2B (LGMDR2). Also called: Limb-girdle muscular dystrophy, type 2B; MUSCULAR DYSTROPHY, LIMB-GIRDLE, TYPE 3; MUSCULAR DYSTROPHY, LIMB-GIRDLE, AUTOSOMAL RECESSIVE 2; Limb-Girdle Muscular Dystrophy Type 2B (LGMD2B). Identifiers: Orphanet 268, MedGen C1850889, MONDO:0009676, OMIM 253601.

Allele frequency attached by ClinVar (database versions not stated): ExAC 0.00001; gnomAD 0.00001; gnomAD exomes 0.00001 and 0.00002.
gnomAD v4.1: 19 of 1,614,032 alleles (0.0012%); highest among the groups gnomAD compares: Non-Finnish European, 0.0015%; no homozygotes.

Submissions (4):

Ambry Genetics
Classification: Uncertain significance for Inborn genetic diseases. Last evaluated: 2025-10-29. Review status: criteria provided, single submitter. Criteria: Ambry Variant Classification Scheme 2023. Collection method: clinical testing. Allele origin: germline.

GeneDx
Classification: Uncertain significance. Last evaluated: 2025-04-16. Review status: criteria provided, single submitter. Criteria: GeneDx Variant Classification Process June 2021. Collection method: clinical testing. Allele origin: germline. Affected: yes.
Comment: Not observed at significant frequency in large population cohorts (gnomAD); In silico analysis indicates that this missense variant does not alter protein structure/function; Has not been previously published as pathogenic or benign to our knowledge

Labcorp Genetics (formerly Invitae), Labcorp
Classification: Uncertain significance for Neuromuscular disease caused by qualitative or quantitative defects of dysferlin. Last evaluated: 2022-07-05. Review status: criteria provided, single submitter. Criteria: Invitae Variant Classification Sherloc (09022015). Collection method: clinical testing. Allele origin: germline.
Comment: This sequence change replaces methionine, which is neutral and non-polar, with isoleucine, which is neutral and non-polar, at codon 2035 of the DYSF protein (p.Met2035Ile). This variant is present in population databases (rs557683788, gnomAD 0.004%). This variant has not been reported in the literature in individuals affected with DYSF-related conditions. ClinVar contains an entry for this variant (Variation ID: 471323). Advanced modeling of protein sequence and biophysical properties (such as structural, functional, and spatial information, amino acid conservation, physicochemical variation, residue mobility, and thermodynamic stability) performed at Invitae indicates that this missense variant is not expected to disrupt DYSF protein function. In summary, the available evidence is currently insufficient to determine the role of this variant in disease. Therefore, it has been classified as a Variant of Uncertain Significance.

Natera, Inc.
Classification: Uncertain significance for Limb-girdle muscular dystrophy type 2B. Last evaluated: 2019-10-28. Review status: no assertion criteria provided. Collection method: clinical testing. Allele origin: germline. Not counted in ClinVar's aggregate classification.

NM_001130987.2(DYSF):c.6222G>A (p.Met2074Ile)

Gene: DYSF (dysferlin; plus strand). Cytogenetic location: 2p13.2.
Variant type: single nucleotide variant.
Coding change: c.6222G>A on transcript NM_001130987.2 (MANE Select); coding-DNA position 6222, G replaced by A.
Protein change: p.Met2074Ile; replaces methionine 2074 with isoleucine.
Molecular consequence: missense variant.
Genome position (GRCh38, 1-based): chr2:71,682,578, G>A. VCF-style: chr2-71682578-G-A. GRCh37 (hg19) VCF-style: chr2-71909708-G-A.
Other names: c.6108G>A, p.Met2036Ile (NM_001130455.2); c.6063G>A, p.Met2021Ile (NM_001130976.2); c.6126G>A, p.Met2042Ile (NM_001130977.2); c.6168G>A, p.Met2056Ile (NM_001130978.2); c.6198G>A, p.Met2066Ile (NM_001130979.2); c.6156G>A, p.Met2052Ile (NM_001130980.2); c.6219G>A, p.Met2073Ile (NM_001130981.2); c.6201G>A, p.Met2067Ile (NM_001130982.2); and 5 more; short protein forms M2074I, M2035I, M2052I, M2036I, M2057I, M2066I, M2021I, M2022I.
Identifiers: ClinVar variation 471323 (VCV000471323.8), dbSNP rs557683788, ClinGen allele CA1707651.